The following is an entry in ClinVar:

ClinVar aggregate classification (germline): Benign (1 of 4 stars; one submission).

Allele frequency attached by ClinVar (database versions not stated): 1000 Genomes Project 30x 0.34884; TOPMed 0.39369; 1000 Genomes Project 0.34305; gnomAD 0.39440 and 0.40237.
gnomAD v4.1: 59,889 of 152,036 alleles (39%); highest among the groups gnomAD compares: African/African-American, 49%; 12,261 homozygotes.

Submissions (5):

GeneDx
Classification: Benign. Last evaluated: 2018-06-19. Review status: criteria provided, single submitter. Criteria: GeneDx Variant Classification (06012015). Collection method: clinical testing. Allele origin: germline. Affected: yes.
Comment: This variant is considered likely benign or benign based on one or more of the following criteria: it is a conservative change, it occurs at a poorly conserved position in the protein, it is predicted to be benign by multiple in silico algorithms, and/or has population frequency not consistent with disease.

Dr. Peter K. Rogan Lab, Western University
No classification provided (evidence only). Condition: Lung cancer. Review status: no classification provided. Collection method: in vitro. Allele origin: not applicable. Functional consequence: skipped exon, retained intron. Not counted in ClinVar's aggregate classification.

Dr. Peter K. Rogan Lab, Western University
No classification provided (evidence only). Condition: Malignant lymphoma, large B-cell, diffuse. Review status: no classification provided. Collection method: in vitro. Allele origin: not applicable. Functional consequence: skipped exon. Not counted in ClinVar's aggregate classification.

Dr. Peter K. Rogan Lab, Western University
No classification provided (evidence only). Condition: Cholangiocarcinoma. Review status: no classification provided. Collection method: in vitro. Allele origin: not applicable. Functional consequence: retained intron. Not counted in ClinVar's aggregate classification.

Dr. Peter K. Rogan Lab, Western University
No classification provided (evidence only). Condition: Cholangiocarcinoma. Review status: no classification provided. Collection method: in vitro. Allele origin: not applicable. Functional consequence: retained intron. Not counted in ClinVar's aggregate classification.

NM_012434.5(SLC17A5):c.1350+262G>A

Gene: SLC17A5 (solute carrier family 17 member 5; minus strand). Cytogenetic location: 6q13.
Variant type: single nucleotide variant.
Coding change: c.1350+262G>A on transcript NM_012434.5 (MANE Select); 262 bases into the intron after coding-DNA position 1350, G replaced by A.
Molecular consequence: intron variant.
Genome position (GRCh38, 1-based): chr6:73,600,089, C>T on the plus strand (G>A on the coding strand, the complement: SLC17A5 is on the minus strand). VCF-style: chr6-73600089-C-T. GRCh37 (hg19) VCF-style: chr6-74309812-C-T.
Other names: NC_000006.11:g.74309812C>T.
Identifiers: ClinVar variation 672112 (VCV000672112.2), dbSNP rs395996, ClinGen allele CA12420841.
Genomic context (GRCh38, chr6:73,600,089, plus strand): 5'-CGTGATCCACCTGCCTCGGCCTCCCAAAGTGCTGGGATTACAGGCATGAGCCACTGCACC[C>T]GGCCAATATCACAACTTTTAACTACTTGTGTGGTTTCAGCTACAGTGTCTTCATTTGACT-3'